The following is an entry in ClinVar:

ClinVar aggregate classification (germline): Uncertain significance (1 of 4 stars; one submission).

Conditions:
Immunodeficiency 104. Also called: SCID, AUTOSOMAL RECESSIVE, T CELL-NEGATIVE, B CELL-POSITIVE, NK CELL-POSITIVE; Severe combined immunodeficiency, autosomal recessive, T cell-negative, B cell-positive, NK cell-positive; IMMUNODEFICIENCY 104, SEVERE COMBINED; Severe Combined Immune Deficiency, Autosomal Recessive, TCell -Negative, B Cell-Positive, NK Cell-Positive, IL7R-Related. Identifiers: MedGen C5676890, MONDO:0012163, OMIM 608971.

Allele frequency attached by ClinVar (database versions not stated): TOPMed below 0.00001; ExAC 0.00002; gnomAD exomes 0.00002.
gnomAD v4.1: 14 of 1,613,590 alleles (0.00087%); highest among the groups gnomAD compares: South Asian, 0.0044%; no homozygotes.

Submission:

Labcorp Genetics (formerly Invitae), Labcorp
Classification: Uncertain significance for Immunodeficiency 104. Last evaluated: 2021-08-28. Review status: criteria provided, single submitter. Criteria: Invitae Variant Classification Sherloc (09022015). Collection method: clinical testing. Allele origin: germline.
Comment: This sequence change replaces leucine with phenylalanine at codon 248 of the IL7R protein (p.Leu248Phe). The leucine residue is highly conserved and there is a small physicochemical difference between leucine and phenylalanine. This variant is present in population databases (rs200086692, ExAC 0.02%). This variant has not been reported in the literature in individuals affected with IL7R-related conditions. Algorithms developed to predict the effect of missense changes on protein structure and function are either unavailable or do not agree on the potential impact of this missense change (SIFT: "Tolerated"; PolyPhen-2: "Possibly Damaging"; Align-GVGD: "Class C0"). In summary, the available evidence is currently insufficient to determine the role of this variant in disease. Therefore, it has been classified as a Variant of Uncertain Significance.

NM_002185.5(IL7R):c.744G>C (p.Leu248Phe)

Gene: IL7R (interleukin 7 receptor; plus strand). Cytogenetic location: 5p13.2.
Variant type: single nucleotide variant.
Coding change: c.744G>C on transcript NM_002185.5 (MANE Select); coding-DNA position 744, G replaced by C.
Protein change: p.Leu248Phe; replaces leucine 248 with phenylalanine.
Molecular consequence: missense variant.
Genome position (GRCh38, 1-based): chr5:35,874,486, G>C. VCF-style: chr5-35874486-G-C. GRCh37 (hg19) VCF-style: chr5-35874588-G-C.
Other names: short protein forms L248F.
Identifiers: ClinVar variation 1410307 (VCV001410307.5), dbSNP rs200086692, ClinGen allele CA3232079.